The following is an entry in ClinVar:

ClinVar aggregate classification (germline): Uncertain significance (1 of 4 stars; one submission).

gnomAD v4.1: 12 of 1,614,020 alleles (0.00074%); highest among the groups gnomAD compares: East Asian, 0.0022%; no homozygotes.

Submission:

Labcorp Genetics (formerly Invitae), Labcorp
Classification: Uncertain significance. Last evaluated: 2025-08-10. Review status: criteria provided, single submitter. Criteria: Invitae Variant Classification Sherloc (09022015). Collection method: clinical testing. Allele origin: germline.
Comment: This sequence change replaces valine, which is neutral and non-polar, with alanine, which is neutral and non-polar, at codon 1361 of the DMXL2 protein (p.Val1361Ala). This variant is present in population databases (no rsID available, gnomAD 0.005%). This variant has not been reported in the literature in individuals affected with DMXL2-related conditions. An algorithm developed to predict the effect of missense changes on protein structure and function (PolyPhen-2) suggests that this variant is likely to be disruptive. In summary, the available evidence is currently insufficient to determine the role of this variant in disease. Therefore, it has been classified as a Variant of Uncertain Significance.

NM_001378457.1(DMXL2):c.4082T>C (p.Val1361Ala)

Gene: DMXL2 (Dmx like 2; minus strand). Cytogenetic location: 15q21.2.
Variant type: single nucleotide variant.
Coding change: c.4082T>C on transcript NM_001378457.1 (MANE Select); coding-DNA position 4082, T replaced by C.
Protein change: p.Val1361Ala; replaces valine 1361 with alanine.
Molecular consequence: missense variant. On other transcripts: non-coding transcript variant (2), intron variant (2).
Genome position (GRCh38, 1-based): chr15:51,499,142, A>G on the plus strand (T>C on the coding strand, the complement: DMXL2 is on the minus strand). VCF-style: chr15-51499142-A-G. GRCh37 (hg19) VCF-style: chr15-51791339-A-G.
Other names: c.4082T>C, p.Val1361Ala (NM_001174116.3, NM_001378458.1, NM_001378459.1 and 4 more transcripts); c.3842T>C, p.Val1281Ala (NM_001378464.1); c.2765-7395T>C (NM_001378460.1); c.2765-4008T>C (NM_001174117.3); short protein forms V1281A, V1361A.
Identifiers: ClinVar variation 4772714 (VCV004772714.1).
Genomic context (GRCh38, chr15:51,499,142, plus strand): 5'-ATTGCTACTTCACCTGCAATACATTTTACTAAATGAGAGAGAATGGCTTTAGCCCTTCGC[A>G]CTTTCCCTAAATCCATCAATTCTAACAGCTGAGTTGGATGATATTGTGGAAGAGTAGGGG-3'
Protein context (NP_001365386.1, residues 1351-1371): QLLELMDLGK[Val1361Ala]RRAKAILSHL